The following is an entry in ClinVar:

NM_001261826.3(AP3D1):c.378C>T (p.Tyr126=)

Gene: AP3D1 (adaptor related protein complex 3 subunit delta 1; minus strand). Cytogenetic location: 19p13.3.
Variant type: single nucleotide variant.
Coding change: c.378C>T on transcript NM_001261826.3 (MANE Select); coding-DNA position 378, C replaced by T.
Protein change: p.Tyr126=; no amino-acid change (tyrosine 126 retained).
Molecular consequence: synonymous variant.
Genome position (GRCh38, 1-based): chr19:2,132,555, G>A on the plus strand (C>T on the coding strand, the complement: AP3D1 is on the minus strand). VCF-style: chr19-2132555-G-A. GRCh37 (hg19) VCF-style: chr19-2132554-G-A.
Other names: p.Tyr126=; c.378C>T, p.Tyr126= (NM_001374799.1, NM_003938.8).
Identifiers: ClinVar variation 724797 (VCV000724797.12), dbSNP rs201989084, ClinGen allele CA9059735.

ClinVar aggregate classification (germline): Likely benign. Review status: criteria provided, multiple submitters, no conflicts (2 of 4 stars). 3 submissions from 3 submitters: Likely benign (3). Last evaluated 2026-01-12.

Allele frequency attached by ClinVar (database versions not stated): gnomAD exomes 0.00005 and 0.00010; gnomAD 0.00008 and 0.00011; TOPMed 0.00010; ExAC 0.00012; ESP Exome Variant Server 0.00016; 1000 Genomes Project 30x 0.00031; 1000 Genomes Project 0.00040.
gnomAD v4.1: 99 of 1,609,900 alleles (0.0061%); highest among the groups gnomAD compares: Middle Eastern, 0.05%; 1 homozygote.

Submissions (3):

Labcorp Genetics (formerly Invitae), Labcorp
Classification: Likely benign. Last evaluated: 2026-01-12. Review status: criteria provided, single submitter. Criteria: Invitae Variant Classification Sherloc (09022015). Collection method: clinical testing. Allele origin: germline.

Mayo Clinic Laboratories, Mayo Clinic
Classification: Likely benign. Last evaluated: 2025-10-17. Review status: criteria provided, single submitter. Criteria: ACMG Guidelines, 2015. Collection method: clinical testing. Allele origin: germline. Observed: 2 variant alleles.
Comment: BP4, BP7

Blueprint Genetics
Classification: Likely benign. Last evaluated: 2023-08-23. Review status: criteria provided, single submitter. Criteria: ACMG Guidelines, 2015. Collection method: clinical testing. Allele origin: germline.